The following is an entry in ClinVar:

ClinVar aggregate classification (germline): Uncertain significance (1 of 4 stars; one submission).

Conditions:
Langer mesomelic dysplasia syndrome (LMD). Also called: DYSCHONDROSTEOSIS, HOMOZYGOUS; Langer mesomelic dysplasia. Identifiers: Orphanet 2632, MedGen C0432230, MONDO:0009588, OMIM 249700.

gnomAD v4.1: 2 of 1,613,816 alleles (0.00012%); highest among the groups gnomAD compares: East Asian, 0.0045%; no homozygotes.

Submission:

Foundation for Research in Genetics and Endocrinology, FRIGE's Institute of Human Genetics
Classification: Uncertain significance for Langer mesomelic dysplasia syndrome. Last evaluated: 2023-04-13. Review status: criteria provided, single submitter. Criteria: ACMG Guidelines, 2015. Collection method: clinical testing. Allele origin: germline. Affected: yes. Observed: 1 homozygote.
Comment: A homozygous missense variant in exon 5 of the SHOX gene that results in the amino acid substitution of Leucine for Valine at codon 183 (p.Val183Leu) was detected. The variant has not been reported in the 1000 genomes, gnomAD (v3.1), gnomdAD (v2.1) and topmed databases. The in-silico prediction of the variant is damaging by MutationTaster2. The reference codon is conserved across species. In summary, the variant meets our criteria to be classified as a variant of uncertain significance.

NM_000451.4(SHOX):c.547G>C (p.Val183Leu)

Gene: SHOX (SHOX homeobox; plus strand). Cytogenetic location: Xp22.33.
Variant type: single nucleotide variant.
Coding change: c.547G>C on transcript NM_000451.4 (MANE Select); coding-DNA position 547, G replaced by C.
Protein change: p.Val183Leu; replaces valine 183 with leucine.
Molecular consequence: missense variant.
Genome position (GRCh38, 1-based): chrX:641,001, G>C. VCF-style: chrX-641001-G-C. GRCh37 (hg19) VCF-style: chrX-601736-G-C.
Other names: p.Val183Leu; c.547G>C, p.Val183Leu (NM_006883.2); short protein forms V183L.
Identifiers: ClinVar variation 2498325 (VCV002498325.2), dbSNP rs752189039, ClinGen allele CA412231758.